The following is an entry in ClinVar:

ClinVar aggregate classification (germline): Uncertain significance. Review status: criteria provided, single submitter (1 of 4 stars). 2 submissions from 2 submitters: Uncertain significance (1). 1 of the submissions does not count toward it. Last evaluated 2025-03-24.

Conditions:
Severe myoclonic epilepsy in infancy (DRVT). Also called: SEVERE MYOCLONIC EPILEPSY OF INFANCY; DEVELOPMENTAL AND EPILEPTIC ENCEPHALOPATHY 6A; Severe Myoclonic Epilepsy in Infancy (SMEI); Dravet syndrome; Epileptic encephalopathy, early infantile, 6 (Dravet syndrome). Identifiers: Orphanet 33069, MedGen C0751122, MONDO:0100135, OMIM 607208.

Allele frequency attached by ClinVar (database versions not stated): gnomAD exomes below 0.00001 and 0.00001; ExAC 0.00001.
gnomAD v4.1: 7 of 1,605,906 alleles (0.00044%); highest among the groups gnomAD compares: South Asian, 0.0011%; no homozygotes.

Submissions (2):

GeneDx
Classification: Uncertain significance. Last evaluated: 2025-03-24. Review status: criteria provided, single submitter. Criteria: GeneDx Variant Classification Process June 2021. Collection method: clinical testing. Allele origin: germline. Affected: yes.
Comment: Not observed at significant frequency in large population cohorts (gnomAD); In silico analysis indicates that this missense variant does not alter protein structure/function; This substitution is predicted to be within the transmembrane segment S6 of the third homologous domain; This variant is associated with the following publications: (PMID: 24136861, 12821740)

UniProtKB/Swiss-Prot
No classification provided. Condition: Severe myoclonic epilepsy in infancy. Review status: no classification provided. Collection method: not provided. Allele origin: not provided. Not counted in ClinVar's aggregate classification.

NM_001165963.4(SCN1A):c.4381C>A (p.Leu1461Ile)

Genes: SCN1A (sodium voltage-gated channel alpha subunit 1; minus strand), LOC102724058 (uncharacterized LOC102724058; plus strand). Cytogenetic location: 2q24.3.
Variant type: single nucleotide variant.
Coding change: c.4381C>A on transcript NM_001165963.4 (MANE Select); coding-DNA position 4381, C replaced by A.
Protein change: p.Leu1461Ile; replaces leucine 1461 with isoleucine.
Molecular consequence: missense variant. On other transcripts: non-coding transcript variant (1).
Genome position (GRCh38, 1-based): chr2:165,998,133, G>T on the plus strand (C>A on the coding strand, the complement: SCN1A is on the minus strand). VCF-style: chr2-165998133-G-T. GRCh37 (hg19) VCF-style: chr2-166854643-G-T.
Other names: c.4297C>A, p.Leu1433Ile (NM_001165964.3, NM_001353957.2, NM_001353958.2); c.4381C>A, p.Leu1461Ile (NM_001202435.3, NM_001353948.2); c.4348C>A, p.Leu1450Ile (NM_001353949.2, NM_001353950.2, NM_001353951.2 and 2 more transcripts); c.4345C>A, p.Leu1449Ile (NM_001353954.2, NM_001353955.2); c.4294C>A, p.Leu1432Ile (NM_001353960.2); c.1939C>A, p.Leu647Ile (NM_001353961.2); short protein forms L1450I, L1461I, L1449I, L1433I, L1432I, L647I.
Identifiers: ClinVar variation 68634 (VCV000068634.2), dbSNP rs121918772, ClinGen allele CA285174.